The following is an entry in ClinVar:

ClinVar aggregate classification (germline): Uncertain significance (1 of 4 stars; one submission).

Conditions:
Congenital microcephaly - severe encephalopathy - progressive cerebral atrophy syndrome. Also called: ASNS DEFICIENCY; Asparagine synthetase deficiency. Identifiers: Orphanet 391376, MedGen C3809971, MONDO:0014258, OMIM 615574.

Submission:

3billion
Classification: Uncertain significance for Congenital microcephaly - severe encephalopathy - progressive cerebral atrophy syndrome. Last evaluated: 2022-01-03. Review status: criteria provided, single submitter. Criteria: ACMG Guidelines, 2015. Collection method: clinical testing. Allele origin: germline. Affected: yes. Observed: 1 heterozygote.
Comment: The variant not observed in the gnomAD v2.1.1 dataset (PM2_M). In silico tool predictions suggest damaging effect of the variant on gene or gene product (REVEL: 0.708, 3CNET: 0.789, PP3_P). A missense variant is a common mechanism associated with Asparagine synthetase deficiency (PP2_P). Therefore, this variant is classified as uncertain significance according to the recommendation of ACMG/AMP guideline.

NM_001673.5(ASNS):c.7G>A (p.Gly3Ser)

Genes: ASNS (asparagine synthetase (glutamine-hydrolyzing); minus strand), CZ1P-ASNS (CZ1P-ASNS readthrough; minus strand). Cytogenetic location: 7q21.3.
Variant type: single nucleotide variant.
Coding change: c.7G>A on transcript NM_001673.5 (MANE Select); coding-DNA position 7, G replaced by A.
Protein change: p.Gly3Ser; replaces glycine 3 with serine.
Molecular consequence: missense variant. On other transcripts: non-coding transcript variant (1), intron variant (3).
Genome position (GRCh38, 1-based): chr7:97,869,150, C>T on the plus strand (G>A on the coding strand, the complement: ASNS is on the minus strand). VCF-style: chr7-97869150-C-T. GRCh37 (hg19) VCF-style: chr7-97498462-C-T.
Other names: c.7G>A, p.Gly3Ser (NM_001352496.2, NM_133436.3, NM_183356.4); c.-1+3201G>A (NM_001178076.2); c.-12-45G>A (NM_001178075.2); c.-1+2891G>A (NM_001178077.1); short protein forms G3S.
Identifiers: ClinVar variation 1333247 (VCV001333247.1), dbSNP rs2115755612, ClinGen allele CA368274599.